The following is an entry in ClinVar:

ClinVar aggregate classification (germline): Pathogenic. Review status: reviewed by expert panel (3 of 4 stars). 16 submissions from 16 submitters: Pathogenic (1). 15 of the submissions do not count toward it. Last evaluated 2016-09-08.

Conditions:
BRCA2-related disorder. Also called: BRCA2-related condition; BRCA2-related disorders. Identifiers: MedGen CN239275.
Hereditary cancer-predisposing syndrome. Also called: Hereditary neoplastic syndrome; Tumor predisposition; Hereditary Cancer Syndrome; Neoplastic Syndromes, Hereditary. Identifiers: Orphanet 140162, MedGen C0027672, MeSH D009386, MONDO:0015356.
Hereditary breast ovarian cancer syndrome. Also called: Breast and ovarian cancer; Hereditary breast and/or ovarian cancer syndrome; BRCA1- and BRCA2-Associated Hereditary Breast and Ovarian Cancer; Hereditary breast and ovarian cancer syndrome; Hereditary breast and ovarian cancer; Hereditary breast and ovarian cancer syndrome (HBOC). Identifiers: Orphanet 145, MedGen C0677776, MeSH D061325, MONDO:0003582. Disease mechanism: loss of function.
Breast-ovarian cancer, familial, susceptibility to, 2 (BROVCA2). Also called: BRCA2 Hereditary Breast and Ovarian Cancer. Identifiers: Orphanet 145, MedGen C2675520, MONDO:0012933, OMIM 612555. Disease mechanism: loss of function.
Familial cancer of breast. Also called: BREAST CANCER, FAMILIAL; Hereditary breast cancer; hereditary breast carcinoma. Identifiers: Orphanet 227535, MedGen C0346153, MONDO:0016419, OMIM 114480. Disease mechanism: loss of function.
Malignant tumor of breast. Also called: Cancer breast; Malignant breast neoplasm. Identifiers: MedGen C0006142, MONDO:0007254. Disease mechanism: loss of function.

Allele frequency attached by ClinVar (database versions not stated): gnomAD 0.00001; TOPMed 0.00001.
gnomAD v4.1: 1 of 1,614,014 alleles (0.000062%); highest among the groups gnomAD compares: East Asian, 0.0022%; no homozygotes.

Submissions 1 to 9 of 16:

Evidence-based Network for the Interpretation of Germline Mutant Alleles (ENIGMA)
Classification: Pathogenic for Breast-ovarian cancer, familial, susceptibility to, 2. Last evaluated: 2016-09-08. Review status: reviewed by expert panel. Criteria: ENIGMA BRCA1/2 Classification Criteria (2015). Collection method: curation. Allele origin: germline.
Comment: Variant allele predicted to encode a truncated non-functional protein.

PreventionGenetics, part of Exact Sciences
Classification: Pathogenic for BRCA2-related condition. Last evaluated: 2026-06-19. Review status: criteria provided, single submitter. Criteria: ACMG Guidelines, 2015. Collection method: clinical testing. Allele origin: germline. Not counted in ClinVar's aggregate classification.
Comment: The BRCA2 c.7878G>A variant is predicted to result in premature protein termination (p.Trp2626*). This variant has been reported in several individuals with a personal and/or family history of breast and/or ovarian cancer (see for example, Kwong et al. 2012. PubMed ID: 22970155; Table S2, Couch et al. 2014. PubMed ID: 25452441; Table S7, Lilyquist et al 2017. PubMed ID: 28888541; Table S3B, Ow et al. 2019. PubMed ID: 30875412) and in an individual with breast and brain cancer (Table S1, Carney et al. 2010. PubMed ID: 21218378). This variant has not been reported in a large population database (gnomAD), indicating it is rare and is classified as pathogenic by the evidence-based Network for the Interpretation of Germline Mutant Alleles (ENIGMA) expert panel in ClinVar (Variation ID: 38124). Nonsense variants in BRCA2 are expected to be pathogenic. This variant is interpreted as pathogenic.

Labcorp Genetics (formerly Invitae), Labcorp
Classification: Pathogenic for Hereditary breast ovarian cancer syndrome. Last evaluated: 2026-01-10. Review status: criteria provided, single submitter. Criteria: Invitae Variant Classification Sherloc (09022015). Collection method: clinical testing. Allele origin: germline. Not counted in ClinVar's aggregate classification.
Comment: This sequence change creates a premature translational stop signal (p.Trp2626*) in the BRCA2 gene. It is expected to result in an absent or disrupted protein product. Loss-of-function variants in BRCA2 are known to be pathogenic (PMID: 20104584). This variant is not present in population databases (gnomAD no frequency). This premature translational stop signal has been observed in individual(s) with hereditary breast and ovarian cancer (PMID: 21218378, 22970155, 25452441, 26187060). This variant is also known as 8106G>A. ClinVar contains an entry for this variant (Variation ID: 38124). RNA analysis performed to evaluate the impact of this premature translational stop signal on mRNA splicing indicates it does not significantly alter splicing (internal data). For these reasons, this variant has been classified as Pathogenic.

Color Diagnostics, LLC DBA Color Health
Classification: Pathogenic for Hereditary cancer-predisposing syndrome. Last evaluated: 2025-06-30. Review status: criteria provided, single submitter. Criteria: ACMG Guidelines, 2015. Collection method: clinical testing. Allele origin: germline. Not counted in ClinVar's aggregate classification.
Comment: This variant changes 1 nucleotide in exon 17 of the BRCA2 gene, creating a premature translation stop signal. This variant is expected to result in an absent or non-functional protein product. This variant has been detected in at least 10 individuals affected with breast cancer (PMID: 21218378, 25452441, 26187060, 33471991Color internal dataLeiden Open Variation Database DB-ID BRCA2_005264) and one proband who also had cancer of the brain (PMID: 21218378). This variant has not been identified in the general population by the Genome Aggregation Database (gnomAD). Loss of BRCA2 function is a known mechanism of disease. Based on the available evidence, this variant is classified as Pathogenic.

GeneKor MSA
Classification: Pathogenic for Hereditary breast ovarian cancer syndrome. Last evaluated: 2025-06-02. Review status: criteria provided, single submitter. Criteria: ACMG Guidelines, 2015. Collection method: clinical testing. Allele origin: germline. Not counted in ClinVar's aggregate classification.
Comment: This variant changes 1 nucleotide in exon 17 of the BRCA2 gene, creating a premature translation stop signal. This is a single base substitution, replacing Tryptophane with a Termination codon in the BRCA2 gene. This results in the production of a truncated, non-functional protein. This alteration is not present in population databases (rs80359013). Truncating variants in BRCA2 are known to be pathogenic (PMID:20104584). The mutation database Clinvar contains entries for this variant where it is listed as pathogenic (VCV000038124.73). Based on the classification criteria set by the ACMG and AMP (PMID:25741868) this variant has been classified as pathogenic.

Baylor Genetics
Classification: Pathogenic for Familial cancer of breast. Last evaluated: 2024-03-15. Review status: criteria provided, single submitter. Criteria: ACMG Guidelines, 2015. Collection method: clinical testing. Allele origin: unknown. Not counted in ClinVar's aggregate classification.

Women's Health and Genetics/Laboratory Corporation of America, LabCorp
Classification: Pathogenic for Hereditary breast ovarian cancer syndrome. Last evaluated: 2023-08-07. Review status: criteria provided, single submitter. Criteria: LabCorp Variant Classification Summary - May 2015. Collection method: clinical testing. Allele origin: germline. Not counted in ClinVar's aggregate classification.
Comment: Variant summary: BRCA2 c.7878G>A (p.Trp2626X) results in a premature termination codon, predicted to cause a truncation of the encoded protein or absence of the protein due to nonsense mediated decay, which are commonly known mechanisms for disease. Variants downstream of this position have been classified as pathogenic by our laboratory. The variant was absent in 251276 control chromosomes. c.7878G>A has been reported in the literature in individuals affected with Hereditary Breast And Ovarian Cancer Syndrome (Carney_2010, Kwong_2012, Couch_2015, Hondow_2011). These data indicate that the variant is likely to be associated with disease. To our knowledge, no experimental evidence demonstrating an impact on protein function has been reported. The following publications have been ascertained in the context of this evaluation (PMID: 21702907, 21218378, 22970155, 25452441). Eight submitters have cited clinical-significance assessments for this variant to ClinVar after 2014. All submitters classified the variant as pathogenic/likely pathogenic. Based on the evidence outlined above, the variant was classified as pathogenic.

GeneDx
Classification: Pathogenic. Last evaluated: 2023-01-24. Review status: criteria provided, single submitter. Criteria: GeneDx Variant Classification Process June 2021. Collection method: clinical testing. Allele origin: germline. Affected: yes. Not counted in ClinVar's aggregate classification.
Comment: Nonsense variant predicted to result in protein truncation or nonsense mediated decay in a gene for which loss-of-function is a known mechanism of disease; Reported in individuals with personal or family history of breast and/or ovarian cancer (Carney et al., 2010; Kwong et al., 2012; Couch et al., 2015; Ow et al., 2019); Not observed at significant frequency in large population cohorts (gnomAD); Truncating variants in this gene are considered pathogenic by a well-established clinical consortium and/or database; This variant is associated with the following publications: (PMID: 30093976, 29487695, 29937436, 28888541, 21702907, 21218378, 26187060, 27157322, 22970155, 25452441, 32467295, 30702160, 29446198, 30787465, 33858678, 34022715, 25085752, 32091409, Huang_2021_Case Report, 30875412, 31825140)

Ambry Genetics
Classification: Pathogenic for Hereditary cancer-predisposing syndrome. Last evaluated: 2022-11-17. Review status: criteria provided, single submitter. Criteria: Ambry Variant Classification Scheme 2023. Collection method: clinical testing. Allele origin: germline. Not counted in ClinVar's aggregate classification.
Comment: The p.W2626* pathogenic mutation (also known as c.7878G>A) located in coding exon 16 of the BRCA2 gene, results from a G to A substitution at nucleotide position 7878. This changes the amino acid from a tryptophan to a stop codon within coding exon 16. This alteration has been reported in multiple high-risk breast and/or ovarian cancer patients in the literature (Carney ME et al. Hawaii Med J. 2010 Nov;69:268-71; Couch FJ et al. J. Clin. Oncol. 2015 Feb;33:304-11; Kwong A et al. PLoS ONE. 2012 Sep;7:e43994; Kwong A et al. J. Med. Genet. 2016 Jan;53:15-23; Rebbeck TR et al. Hum Mutat. 2018 May;39(5):593-620). In addition to the clinical data presented in the literature, this alteration is expected to result in loss of function by premature protein truncation or nonsense-mediated mRNA decay. As such, this alteration is interpreted as a disease-causing mutation.

NM_000059.4(BRCA2):c.7878G>A (p.Trp2626Ter)

Gene: BRCA2 (BRCA2 DNA repair associated; plus strand). Cytogenetic location: 13q13.1.
Variant type: single nucleotide variant.
Coding change: c.7878G>A on transcript NM_000059.4 (MANE Select); coding-DNA position 7878, G replaced by A.
Protein change: p.Trp2626Ter; replaces tryptophan 2626 with a stop codon.
Molecular consequence: nonsense.
Genome position (GRCh38, 1-based): chr13:32,362,595, G>A. VCF-style: chr13-32362595-G-A. GRCh37 (hg19) VCF-style: chr13-32936732-G-A.
Other names: 8106G>A; short protein forms W2626*.
Identifiers: ClinVar variation 38124 (VCV000038124.77), dbSNP rs80359013, ClinGen allele CA025318.